The following is an entry in ClinVar:

NM_000214.3(JAG1):c.677G>T (p.Gly226Val)

Gene: JAG1 (jagged canonical Notch ligand 1; minus strand). Cytogenetic location: 20p12.2.
Variant type: single nucleotide variant.
Coding change: c.677G>T on transcript NM_000214.3 (MANE Select); coding-DNA position 677, G replaced by T.
Protein change: p.Gly226Val; replaces glycine 226 with valine.
Molecular consequence: missense variant.
Genome position (GRCh38, 1-based): chr20:10,658,485, C>A on the plus strand (G>T on the coding strand, the complement: JAG1 is on the minus strand). VCF-style: chr20-10658485-C-A. GRCh37 (hg19) VCF-style: chr20-10639133-C-A.
Other names: short protein forms G226V.
Identifiers: ClinVar variation 4741555 (VCV004741555.1).

ClinVar aggregate classification (germline): Uncertain significance (1 of 4 stars; one submission).

Conditions:
Alagille syndrome due to a JAG1 point mutation. Also called: HEPATIC DUCTULAR HYPOPLASIA, SYNDROMATIC; JAG1-Related Alagille Syndrome; Alagille Syndrome 1. Identifiers: Orphanet 261619, Orphanet 52, MedGen C1956125, MONDO:0016862, OMIM 118450.

gnomAD v4.1: 1 of 1,614,160 alleles (0.000062%); highest among the groups gnomAD compares: Non-Finnish European, 0.000085%; no homozygotes.

Submission:

Labcorp Genetics (formerly Invitae), Labcorp
Classification: Uncertain significance for Alagille syndrome due to a JAG1 point mutation. Last evaluated: 2025-03-19. Review status: criteria provided, single submitter. Criteria: Invitae Variant Classification Sherloc (09022015). Collection method: clinical testing. Allele origin: germline.
Comment: This sequence change replaces glycine, which is neutral and non-polar, with valine, which is neutral and non-polar, at codon 226 of the JAG1 protein (p.Gly226Val). This variant is not present in population databases (gnomAD no frequency). This variant has not been reported in the literature in individuals affected with JAG1-related conditions. Invitae Evidence Modeling of protein sequence and biophysical properties (such as structural, functional, and spatial information, amino acid conservation, physicochemical variation, residue mobility, and thermodynamic stability) indicates that this missense variant is expected to disrupt JAG1 protein function with a positive predictive value of 80%. In summary, the available evidence is currently insufficient to determine the role of this variant in disease. Therefore, it has been classified as a Variant of Uncertain Significance.